The following is an entry in ClinVar:

NM_001365951.3(KIF1B):c.4149G>A (p.Met1383Ile)

Gene: KIF1B (kinesin family member 1B; plus strand). Cytogenetic location: 1p36.22.
Variant type: single nucleotide variant.
Coding change: c.4149G>A on transcript NM_001365951.3 (MANE Select); coding-DNA position 4149, G replaced by A.
Protein change: p.Met1383Ile; replaces methionine 1383 with isoleucine.
Molecular consequence: missense variant.
Genome position (GRCh38, 1-based): chr1:10,361,022, G>A. VCF-style: chr1-10361022-G-A. GRCh37 (hg19) VCF-style: chr1-10421080-G-A.
Other names: c.4149G>A, p.Met1383Ile (NM_001365952.1); c.4011G>A, p.Met1337Ile (NM_015074.3); short protein forms M1337I, M1383I.
Identifiers: ClinVar variation 3715647 (VCV003715647.2).

ClinVar aggregate classification (germline): Uncertain significance (1 of 4 stars; one submission).

Conditions:
Charcot-Marie-Tooth disease type 2. Also called: Charcot-Marie-Tooth type 2. Identifiers: Orphanet 64746, MedGen C0270914, MONDO:0018993.

Submission:

Labcorp Genetics (formerly Invitae), Labcorp
Classification: Uncertain significance for Charcot-Marie-Tooth disease type 2. Last evaluated: 2024-05-02. Review status: criteria provided, single submitter. Criteria: Invitae Variant Classification Sherloc (09022015). Collection method: clinical testing. Allele origin: germline.
Comment: This sequence change replaces methionine, which is neutral and non-polar, with isoleucine, which is neutral and non-polar, at codon 1337 of the KIF1B protein (p.Met1337Ile). This variant is not present in population databases (gnomAD no frequency). This variant has not been reported in the literature in individuals affected with KIF1B-related conditions. An algorithm developed to predict the effect of missense changes on protein structure and function (PolyPhen-2) suggests that this variant is likely to be tolerated. In summary, the available evidence is currently insufficient to determine the role of this variant in disease. Therefore, it has been classified as a Variant of Uncertain Significance.